The following is an entry in ClinVar:

NM_005984.5(SLC25A1):c.933C>G (p.Asp311Glu)

Gene: SLC25A1 (solute carrier family 25 member 1; minus strand). Cytogenetic location: 22q11.21.
Variant type: single nucleotide variant.
Coding change: c.933C>G on transcript NM_005984.5 (MANE Select); coding-DNA position 933, C replaced by G.
Protein change: p.Asp311Glu; replaces aspartic acid 311 with glutamic acid.
Molecular consequence: missense variant. On other transcripts: non-coding transcript variant (1).
Genome position (GRCh38, 1-based): chr22:19,176,133, G>C on the plus strand (C>G on the coding strand, the complement: SLC25A1 is on the minus strand). VCF-style: chr22-19176133-G-C. GRCh37 (hg19) VCF-style: chr22-19163646-G-C.
Other names: c.954C>G, p.Asp318Glu (NM_001256534.2); c.624C>G, p.Asp208Glu (NM_001287387.2); short protein forms D208E, D311E, D318E.
Identifiers: ClinVar variation 858154 (VCV000858154.9), dbSNP rs781784304, ClinGen allele CA10097237.

ClinVar aggregate classification (germline): Uncertain significance (1 of 4 stars; one submission).

Allele frequency attached by ClinVar (database versions not stated): gnomAD exomes below 0.00001 and 0.00001; TOPMed below 0.00001; ExAC 0.00001; gnomAD 0.00001.

Submission:

Labcorp Genetics (formerly Invitae), Labcorp
Classification: Uncertain significance. Last evaluated: 2022-02-10. Review status: criteria provided, single submitter. Criteria: Invitae Variant Classification Sherloc (09022015). Collection method: clinical testing. Allele origin: germline.
Comment: In summary, the available evidence is currently insufficient to determine the role of this variant in disease. Therefore, it has been classified as a Variant of Uncertain Significance. Algorithms developed to predict the effect of sequence changes on RNA splicing suggest that this variant may create or strengthen a splice site. Algorithms developed to predict the effect of missense changes on protein structure and function (SIFT, PolyPhen-2, Align-GVGD) all suggest that this variant is likely to be tolerated. ClinVar contains an entry for this variant (Variation ID: 858154). This variant has not been reported in the literature in individuals affected with SLC25A1-related conditions. This variant is present in population databases (rs781784304, gnomAD 0.02%). This sequence change replaces aspartic acid, which is acidic and polar, with glutamic acid, which is acidic and polar, at codon 311 of the SLC25A1 protein (p.Asp311Glu).